The following is an entry in ClinVar:

NM_001999.4(FBN2):c.2164G>T (p.Ala722Ser)

Gene: FBN2 (fibrillin 2; minus strand). Cytogenetic location: 5q23.3.
Variant type: single nucleotide variant.
Coding change: c.2164G>T on transcript NM_001999.4 (MANE Select); coding-DNA position 2164, G replaced by T.
Protein change: p.Ala722Ser; replaces alanine 722 with serine.
Molecular consequence: missense variant.
Genome position (GRCh38, 1-based): chr5:128,369,266, C>A on the plus strand (G>T on the coding strand, the complement: FBN2 is on the minus strand). VCF-style: chr5-128369266-C-A. GRCh37 (hg19) VCF-style: chr5-127704959-C-A.
Other names: short protein forms A722S.
Identifiers: ClinVar variation 2732962 (VCV002732962.3), dbSNP rs2479362226, ClinGen allele CA360739106.

ClinVar aggregate classification (germline): Uncertain significance (1 of 4 stars; one submission).

Conditions:
Congenital contractural arachnodactyly (CCA). Also called: Beals-Hecht syndrome; BEALS SYNDROME; Arthrogryposis, distal, type 9. Identifiers: Orphanet 115, MedGen C0220668, MONDO:0007363, OMIM 121050.

Submission:

Labcorp Genetics (formerly Invitae), Labcorp
Classification: Uncertain significance for Congenital contractural arachnodactyly. Last evaluated: 2023-09-14. Review status: criteria provided, single submitter. Criteria: Invitae Variant Classification Sherloc (09022015). Collection method: clinical testing. Allele origin: germline.
Comment: In summary, the available evidence is currently insufficient to determine the role of this variant in disease. Therefore, it has been classified as a Variant of Uncertain Significance. Advanced modeling of protein sequence and biophysical properties (such as structural, functional, and spatial information, amino acid conservation, physicochemical variation, residue mobility, and thermodynamic stability) has been performed at Invitae for this missense variant, however the output from this modeling did not meet the statistical confidence thresholds required to predict the impact of this variant on FBN2 protein function. This variant has not been reported in the literature in individuals affected with FBN2-related conditions. This variant is not present in population databases (gnomAD no frequency). This sequence change replaces alanine, which is neutral and non-polar, with serine, which is neutral and polar, at codon 722 of the FBN2 protein (p.Ala722Ser).